The following is an entry in ClinVar:

ClinVar aggregate classification (germline): Uncertain significance. Review status: criteria provided, multiple submitters, no conflicts (2 of 4 stars). 2 submissions from 2 submitters: Uncertain significance (2). Last evaluated 2024-05-05.

Allele frequency attached by ClinVar (database versions not stated): TOPMed below 0.00001; gnomAD exomes 0.00001.
gnomAD v4.1: 9 of 1,613,942 alleles (0.00056%); highest among the groups gnomAD compares: Non-Finnish European, 0.00076%; no homozygotes.

Submissions (2):

GeneDx
Classification: Uncertain significance. Last evaluated: 2024-05-05. Review status: criteria provided, single submitter. Criteria: GeneDx Variant Classification Process June 2021. Collection method: clinical testing. Allele origin: germline.
Comment: Not observed at significant frequency in large population cohorts (gnomAD); In silico analysis supports that this missense variant has a deleterious effect on protein structure/function; Has not been previously published as pathogenic or benign to our knowledge

Labcorp Genetics (formerly Invitae), Labcorp
Classification: Uncertain significance. Last evaluated: 2023-06-27. Review status: criteria provided, single submitter. Criteria: Invitae Variant Classification Sherloc (09022015). Collection method: clinical testing. Allele origin: germline.
Comment: In summary, the available evidence is currently insufficient to determine the role of this variant in disease. Therefore, it has been classified as a Variant of Uncertain Significance. Advanced modeling of protein sequence and biophysical properties (such as structural, functional, and spatial information, amino acid conservation, physicochemical variation, residue mobility, and thermodynamic stability) performed at Invitae indicates that this missense variant is expected to disrupt ACO2 protein function. ClinVar contains an entry for this variant (Variation ID: 1442112). This variant has not been reported in the literature in individuals affected with ACO2-related conditions. This variant is present in population databases (rs748972301, gnomAD 0.003%). This sequence change replaces phenylalanine, which is neutral and non-polar, with tyrosine, which is neutral and polar, at codon 297 of the ACO2 protein (p.Phe297Tyr).

NM_001098.3(ACO2):c.890T>A (p.Phe297Tyr)

Gene: ACO2 (aconitase 2; plus strand). Cytogenetic location: 22q13.2.
Variant type: single nucleotide variant.
Coding change: c.890T>A on transcript NM_001098.3 (MANE Select); coding-DNA position 890, T replaced by A.
Protein change: p.Phe297Tyr; replaces phenylalanine 297 with tyrosine.
Molecular consequence: missense variant.
Genome position (GRCh38, 1-based): chr22:41,517,581, T>A. VCF-style: chr22-41517581-T-A. GRCh37 (hg19) VCF-style: chr22-41913585-T-A.
Other names: c.890T>A (NM_001098.2); short protein forms F297Y.
Identifiers: ClinVar variation 1442112 (VCV001442112.9), dbSNP rs748972301, ClinGen allele CA10257491.
Genomic context (GRCh38, chr22:41,517,581, plus strand): 5'-CCACAGGCATGGCGACAATCTGCAACATGGGTGCAGAAATTGGGGCCACCACTTCCGTGT[T>A]CCCTTACAACCACAGGATGAAGAAGTACCTGAGCAAGACCGGCCGGGAAGGTGAGCTGGC-3'
Protein context (NP_001089.1, residues 287-307): GAEIGATTSV[Phe297Tyr]PYNHRMKKYL